The following is an entry in ClinVar:

ClinVar aggregate classification (germline): Uncertain significance (1 of 4 stars; one submission).

Submission:

Labcorp Genetics (formerly Invitae), Labcorp
Classification: Uncertain significance. Last evaluated: 2020-09-30. Review status: criteria provided, single submitter. Criteria: Invitae Variant Classification Sherloc (09022015). Collection method: clinical testing. Allele origin: germline.
Comment: In summary, the available evidence is currently insufficient to determine the role of this variant in disease. Therefore, it has been classified as a Variant of Uncertain Significance. Algorithms developed to predict the effect of missense changes on protein structure and function are either unavailable or do not agree on the potential impact of this missense change (SIFT: "Deleterious"; PolyPhen-2: "Possibly Damaging"; Align-GVGD: "Class C0"). This variant has not been reported in the literature in individuals with PROM1-related conditions. This variant is not present in population databases (ExAC no frequency). This sequence change replaces threonine with proline at codon 569 of the PROM1 protein (p.Thr569Pro). The threonine residue is weakly conserved and there is a small physicochemical difference between threonine and proline.

NM_006017.3(PROM1):c.1705A>C (p.Thr569Pro)

Gene: PROM1 (prominin 1; minus strand). Cytogenetic location: 4p15.32.
Variant type: single nucleotide variant.
Coding change: c.1705A>C on transcript NM_006017.3 (MANE Select); coding-DNA position 1705, A replaced by C.
Protein change: p.Thr569Pro; replaces threonine 569 with proline.
Molecular consequence: missense variant.
Genome position (GRCh38, 1-based): chr4:15,994,049, T>G on the plus strand (A>C on the coding strand, the complement: PROM1 is on the minus strand). VCF-style: chr4-15994049-T-G. GRCh37 (hg19) VCF-style: chr4-15995672-T-G.
Other names: c.1678A>C, p.Thr560Pro (NM_001145847.2, NM_001145848.2, NM_001145851.2 and 4 more transcripts); c.1705A>C, p.Thr569Pro (NM_001145849.2, NM_001145850.2); short protein forms T560P, T569P.
Identifiers: ClinVar variation 1046595 (VCV001046595.8), dbSNP rs775023806, ClinGen allele CA356431357.